The following is an entry in ClinVar:

ClinVar aggregate classification (germline): Uncertain significance (1 of 4 stars; one submission).

Conditions:
Intellectual developmental disorder, autosomal dominant 52. Also called: Intellectual disability, autosomal dominant 52; Mental retardation, autosomal dominant 52. Identifiers: MedGen C4540478, MONDO:0030918, OMIM 617796.

Submission:

Victorian Clinical Genetics Services, Murdoch Childrens Research Institute
Classification: Uncertain significance for Intellectual developmental disorder, autosomal dominant 52. Last evaluated: 2025-10-20. Review status: criteria provided, single submitter. Criteria: ACMG Guidelines, 2015. Collection method: clinical testing. Allele origin: germline. Affected: yes.
Comment: This variant is classified as VUS-3B. Evidence in support of pathogenic classification: In-frame insertion/deletion in a non-repetitive region that has low conservation; Variant is absent from gnomAD (v2, v3 and v4). Additional information: This variant is heterozygous; This gene is associated with autosomal dominant disease; This variant has no previous evidence of pathogenicity; No published evidence of segregation with disease has been identified for this variant; No published functional evidence has been identified for this variant; No comparable in-frame insertion/deletion variants have previous evidence for pathogenicity; Variant is not located in an established domain, motif, hotspot or informative constraint region; Loss of function is a known mechanism of disease in this gene and is associated with intellectual developmental disorder, autosomal dominant 52 (MIM#617796); Parental origin of the variant is unresolved.

NM_018489.3(ASH1L):c.2436_2451delinsA (p.Ser812_Ser817delinsArg)

Gene: ASH1L (ASH1 like histone lysine methyltransferase; minus strand). Cytogenetic location: 1q22.
Variant type: Indel.
Coding change: c.2436_2451delinsA on transcript NM_018489.3 (MANE Select); coding-DNA positions 2436 to 2451, TATGTGTGTCTCTAGT replaced by A.
Protein change: p.Ser812_Ser817delinsArg.
Molecular consequence: inframe indel.
Genome position (GRCh38, 1-based): chr1:155,480,419-155,480,434, ACTAGAGACACACATA replaced by T on the plus strand (TATGTGTGTCTCTAGT replaced by A on the coding strand, the reverse complement: ASH1L is on the minus strand). VCF-style: chr1-155480419-ACTAGAGACACACATA-T. GRCh37 (hg19) VCF-style: chr1-155450210-ACTAGAGACACACATA-T.
Other names: c.2436_2451delinsA, p.Ser812_Ser817delinsArg (NM_001366177.2).
Identifiers: ClinVar variation 4531994 (VCV004531994.1).